The following is an entry in ClinVar:

ClinVar aggregate classification (germline): Uncertain significance (1 of 4 stars; one submission).

Conditions:
Progressive myoclonic epilepsy type 9. Identifiers: Orphanet 457265, MedGen C4225289, MONDO:0014685, OMIM 616540.
Lipodystrophy, partial, acquired, susceptibility to (APLD). Also called: APLD, SUSCEPTIBILITY TO. Identifiers: MedGen C3887501, MONDO:0100476, OMIM 608709.

Allele frequency attached by ClinVar (database versions not stated): TOPMed below 0.00001; gnomAD 0.00001; gnomAD exomes 0.00001.
gnomAD v4.1: 9 of 1,610,600 alleles (0.00056%); highest among the groups gnomAD compares: Non-Finnish European, 0.00076%; no homozygotes.

Submission:

Labcorp Genetics (formerly Invitae), Labcorp
Classification: Uncertain significance for Progressive myoclonic epilepsy type 9; Lipodystrophy, partial, acquired, susceptibility to. Last evaluated: 2025-09-04. Review status: criteria provided, single submitter. Criteria: Invitae Variant Classification Sherloc (09022015). Collection method: clinical testing. Allele origin: germline.
Comment: This sequence change replaces glutamine, which is neutral and polar, with arginine, which is basic and polar, at codon 146 of the LMNB2 protein (p.Gln146Arg). This variant is not present in population databases (gnomAD no frequency). This variant has not been reported in the literature in individuals affected with LMNB2-related conditions. ClinVar contains an entry for this variant (Variation ID: 2096500). Invitae Evidence Modeling of protein sequence and biophysical properties (such as structural, functional, and spatial information, amino acid conservation, physicochemical variation, residue mobility, and thermodynamic stability) indicates that this missense variant is not expected to disrupt LMNB2 protein function with a negative predictive value of 80%. In summary, the available evidence is currently insufficient to determine the role of this variant in disease. Therefore, it has been classified as a Variant of Uncertain Significance.

NM_032737.4(LMNB2):c.437A>G (p.Gln146Arg)

Gene: LMNB2 (lamin B2; minus strand). Cytogenetic location: 19p13.3.
Variant type: single nucleotide variant.
Coding change: c.437A>G on transcript NM_032737.4 (MANE Select); coding-DNA position 437, A replaced by G.
Protein change: p.Gln146Arg; replaces glutamine 146 with arginine.
Molecular consequence: missense variant.
Genome position (GRCh38, 1-based): chr19:2,438,496, T>C on the plus strand (A>G on the coding strand, the complement: LMNB2 is on the minus strand). VCF-style: chr19-2438496-T-C. GRCh37 (hg19) VCF-style: chr19-2438494-T-C.
Other names: short protein forms Q146R.
Identifiers: ClinVar variation 2096500 (VCV002096500.4), dbSNP rs1971855038, ClinGen allele CA403257869.
Genomic context (GRCh38, chr19:2,438,496, plus strand): 5'-GCAGCTGCCAGCTCCACCTCGCTCCGGTGGAACAGGGACTCCAGGTCCTTCACACGGCCC[T>C]GGGCCACCGTAAGCTCGCCCTCCCTCTTCTTGGCGCTGAAAGTCAAGAGGGCAAGTGAGT-3'
Protein context (NP_116126.3, residues 136-156): KKREGELTVA[Gln146Arg]GRVKDLESLF